The following is an entry in ClinVar:

NM_005173.4(ATP2A3):c.1272T>G (p.Ala424=)

Gene: ATP2A3 (ATPase sarcoplasmic/endoplasmic reticulum Ca2+ transporting 3; minus strand). Cytogenetic location: 17p13.2.
Variant type: single nucleotide variant.
Coding change: c.1272T>G on transcript NM_005173.4 (MANE Select); coding-DNA position 1272, T replaced by G.
Protein change: p.Ala424=; no amino-acid change (alanine 424 retained).
Molecular consequence: synonymous variant.
Genome position (GRCh38, 1-based): chr17:3,944,719, A>C on the plus strand (T>G on the coding strand, the complement: ATP2A3 is on the minus strand). VCF-style: chr17-3944719-A-C. GRCh37 (hg19) VCF-style: chr17-3848013-A-C.
Other names: c.1272T>G, p.Ala424= (NM_174953.3, NM_174954.3, NM_174955.3 and 3 more transcripts).
Identifiers: ClinVar variation 3060953 (VCV003060953.2), dbSNP rs1800911, ClinGen allele CA8297275.

ClinVar aggregate classification (germline): Benign (0 of 4 stars; one submission).

Conditions:
ATP2A3-related disorder. Also called: ATP2A3-related condition.

Allele frequency attached by ClinVar (database versions not stated): 1000 Genomes Project 0.33626; 1000 Genomes Project 30x 0.34432; ExAC 0.39463; gnomAD 0.41059; TOPMed 0.41911; gnomAD exomes 0.42351; ESP Exome Variant Server 0.43716.
gnomAD v4.1: 680,007 of 1,610,932 alleles (42%); highest among the groups gnomAD compares: Middle Eastern, 49%; 148,425 homozygotes.

Submission:

PreventionGenetics, part of Exact Sciences
Classification: Benign for ATP2A3-related condition. Last evaluated: 2019-10-17. Review status: no assertion criteria provided. Collection method: clinical testing. Allele origin: germline.
Comment: This variant is classified as benign based on ACMG/AMP sequence variant interpretation guidelines (Richards et al. 2015 PMID: 25741868, with internal and published modifications).